The following is an entry in ClinVar:

ClinVar aggregate classification (germline): Uncertain significance (1 of 4 stars; one submission).

Conditions:
Pyruvate dehydrogenase E2 deficiency (PDHDD). Also called: Dihydrolipoamide Acetyltransferase (E2) Deficiency; LACTIC ACIDEMIA DUE TO DEFECT OF E2 LIPOYL TRANSACETYLASE OF THE PYRUVATE DEHYDROGENASE COMPLEX. Identifiers: Orphanet 765, Orphanet 79244, MedGen C1855565, MONDO:0009502, OMIM 245348.

Allele frequency attached by ClinVar (database versions not stated): TOPMed below 0.00001; ExAC 0.00001; gnomAD exomes 0.00002.
gnomAD v4.1: 7 of 1,613,536 alleles (0.00043%); highest among the groups gnomAD compares: Admixed American, 0.0083%; no homozygotes.

Submission:

Labcorp Genetics (formerly Invitae), Labcorp
Classification: Uncertain significance for Pyruvate dehydrogenase E2 deficiency. Last evaluated: 2021-11-02. Review status: criteria provided, single submitter. Criteria: Invitae Variant Classification Sherloc (09022015). Collection method: clinical testing. Allele origin: germline.
Comment: This sequence change replaces glycine, which is neutral and non-polar, with tryptophan, which is neutral and slightly polar, at codon 54 of the DLAT protein (p.Gly54Trp). This variant is present in population databases (rs782529801, gnomAD 0.01%). This variant has not been reported in the literature in individuals affected with DLAT-related conditions. Advanced modeling of protein sequence and biophysical properties (such as structural, functional, and spatial information, amino acid conservation, physicochemical variation, residue mobility, and thermodynamic stability) performed at Invitae indicates that this missense variant is not expected to disrupt DLAT protein function. In summary, the available evidence is currently insufficient to determine the role of this variant in disease. Therefore, it has been classified as a Variant of Uncertain Significance.

NM_001931.5(DLAT):c.160G>T (p.Gly54Trp)

Gene: DLAT (dihydrolipoamide S-acetyltransferase; plus strand). Cytogenetic location: 11q23.1.
Variant type: single nucleotide variant.
Coding change: c.160G>T on transcript NM_001931.5 (MANE Select); coding-DNA position 160, G replaced by T.
Protein change: p.Gly54Trp; replaces glycine 54 with tryptophan.
Molecular consequence: missense variant. On other transcripts: 5 prime UTR variant (1), non-coding transcript variant (1), intron variant (1).
Genome position (GRCh38, 1-based): chr11:112,025,632, G>T. VCF-style: chr11-112025632-G-T. GRCh37 (hg19) VCF-style: chr11-111896356-G-T.
Other names: c.160G>T, p.Gly54Trp (NM_001372031.1, NM_001372032.1, NM_001372033.1 and 6 more transcripts); c.119G>T, p.Arg40Leu (NM_001372036.1); c.-307G>T (NM_001372042.1); c.111+8G>T (NM_001372037.1); short protein forms R40L, G54W.
Identifiers: ClinVar variation 1363724 (VCV001363724.4), dbSNP rs782529801, ClinGen allele CA6276532.